The following is an entry in ClinVar:

ClinVar aggregate classification (germline): Uncertain significance (1 of 4 stars; one submission).

Conditions:
Dyskeratosis congenita. Identifiers: Orphanet 1775, MedGen C0265965, MONDO:0015780.

Submission:

Ambry Genetics
Classification: Uncertain significance for Dyskeratosis congenita. Last evaluated: 2022-07-11. Review status: criteria provided, single submitter. Criteria: Ambry Variant Classification Scheme 2023. Collection method: clinical testing. Allele origin: germline.
Comment: The p.R696S variant (also known as c.2086C>A), located in coding exon 5 of the TERT gene, results from a C to A substitution at nucleotide position 2086. The arginine at codon 696 is replaced by serine, an amino acid with dissimilar properties. This amino acid position is conserved. In addition, the in silico prediction for this alteration is inconclusive. Since supporting evidence is limited at this time, the clinical significance of this alteration remains unclear.

NM_198253.3(TERT):c.2086C>A (p.Arg696Ser)

Gene: TERT (telomerase reverse transcriptase; minus strand). Cytogenetic location: 5p15.33.
Variant type: single nucleotide variant.
Coding change: c.2086C>A on transcript NM_198253.3 (MANE Select); coding-DNA position 2086, C replaced by A.
Protein change: p.Arg696Ser; replaces arginine 696 with serine.
Molecular consequence: missense variant. On other transcripts: non-coding transcript variant (2).
Genome position (GRCh38, 1-based): chr5:1,279,335, G>T on the plus strand (C>A on the coding strand, the complement: TERT is on the minus strand). VCF-style: chr5-1279335-G-T. GRCh37 (hg19) VCF-style: chr5-1279450-G-T.
Other names: c.2086C>A, p.Arg696Ser (NM_001193376.3, NM_003219.1); short protein forms R696S.
Identifiers: ClinVar variation 1785640 (VCV001785640.2), dbSNP rs973201915, ClinGen allele CA359080157.